The following is an entry in ClinVar:

ClinVar aggregate classification (germline): Likely benign (1 of 4 stars; one submission).

Conditions:
Neonatal diabetes mellitus with congenital hypothyroidism. Also called: NDH SYNDROME. Identifiers: Orphanet 79118, MedGen C1857775, MONDO:0012436, OMIM 610199.

Allele frequency attached by ClinVar (database versions not stated): 1000 Genomes Project 0.00060; 1000 Genomes Project 30x 0.00062; TOPMed 0.00130.
gnomAD v4.1: 151 of 152,246 alleles (0.099%); highest among the groups gnomAD compares: African/African-American, 0.36%; 1 homozygote.

Submission:

Illumina Laboratory Services, Illumina
Classification: Likely benign for Neonatal diabetes mellitus with congenital hypothyroidism. Last evaluated: 2018-01-13. Review status: criteria provided, single submitter. Criteria: ICSL Variant Classification Criteria 13 December 2019. Collection method: clinical testing. Allele origin: germline.
Comment: This variant was observed in the ICSL laboratory as part of a predisposition screen in an ostensibly healthy population. It had not been previously curated by ICSL or reported in the Human Gene Mutation Database (HGMD: prior to June 1st, 2018), and was therefore a candidate for classification through an automated scoring system. Utilizing variant allele frequency, disease prevalence and penetrance estimates, and inheritance mode, an automated score was calculated to assess if this variant is too frequent to cause the disease. Based on the score and internal cut-off values, a variant classified as likely benign is not then subjected to further curation. The score for this variant resulted in a classification of likely benign for this disease.

NM_001042413.2(GLIS3):c.*3189C>T

Gene: GLIS3 (GLIS family zinc finger 3; minus strand). Cytogenetic location: 9p24.2.
Variant type: single nucleotide variant.
Coding change: c.*3189C>T on transcript NM_001042413.2 (MANE Select); 3189 bases downstream of the stop codon, C replaced by T.
Molecular consequence: 3 prime UTR variant.
Genome position (GRCh38, 1-based): chr9:3,825,083, G>A on the plus strand (C>T on the coding strand, the complement: GLIS3 is on the minus strand). VCF-style: chr9-3825083-G-A. GRCh37 (hg19) VCF-style: chr9-3825083-G-A.
Other names: c.*3189C>T (NM_152629.4).
Identifiers: ClinVar variation 912686 (VCV000912686.4), dbSNP rs548564187, ClinGen allele CA188254436.